The following is an entry in ClinVar:

NM_031892.3(SH3KBP1):c.1681G>T (p.Gly561Cys)

Gene: SH3KBP1 (SH3 domain containing kinase binding protein 1; minus strand). Cytogenetic location: Xp22.12.
Variant type: single nucleotide variant.
Coding change: c.1681G>T on transcript NM_031892.3 (MANE Select); coding-DNA position 1681, G replaced by T.
Protein change: p.Gly561Cys; replaces glycine 561 with cysteine.
Molecular consequence: missense variant.
Genome position (GRCh38, 1-based): chrX:19,542,136, C>A on the plus strand (G>T on the coding strand, the complement: SH3KBP1 is on the minus strand). VCF-style: chrX-19542136-C-A. GRCh37 (hg19) VCF-style: chrX-19560254-C-A.
Other names: c.1570G>T, p.Gly524Cys (NM_001024666.3); c.967G>T, p.Gly323Cys (NM_001184960.2); c.1552G>T, p.Gly518Cys (NM_001353890.2); c.1756G>T, p.Gly586Cys (NM_001353891.2); c.1627G>T, p.Gly543Cys (NM_001353892.2); c.1579G>T, p.Gly527Cys (NM_001353893.2); c.1450G>T, p.Gly484Cys (NM_001353894.2); c.1507G>T, p.Gly503Cys (NM_001353895.2); and 4 more; short protein forms G323C, G459C, G524C, G562C, G484C, G527C, G561C, G280C.
Identifiers: ClinVar variation 2692903 (VCV002692903.3), dbSNP rs113170456, ClinGen allele CA10364475.

ClinVar aggregate classification (germline): Uncertain significance (1 of 4 stars; one submission).

Submission:

Labcorp Genetics (formerly Invitae), Labcorp
Classification: Uncertain significance. Last evaluated: 2024-05-08. Review status: criteria provided, single submitter. Criteria: Invitae Variant Classification Sherloc (09022015). Collection method: clinical testing. Allele origin: germline.
Comment: This sequence change replaces glycine, which is neutral and non-polar, with cysteine, which is neutral and slightly polar, at codon 561 of the SH3KBP1 protein (p.Gly561Cys). This variant is present in population databases (rs113170456, gnomAD 0.01%). This variant has not been reported in the literature in individuals affected with SH3KBP1-related conditions. Advanced modeling of protein sequence and biophysical properties (such as structural, functional, and spatial information, amino acid conservation, physicochemical variation, residue mobility, and thermodynamic stability) performed at Invitae indicates that this missense variant is not expected to disrupt SH3KBP1 protein function with a negative predictive value of 80%. In summary, the available evidence is currently insufficient to determine the role of this variant in disease. Therefore, it has been classified as a Variant of Uncertain Significance.